The following is an entry in ClinVar:

ClinVar aggregate classification (germline): Pathogenic (1 of 4 stars; one submission).

Conditions:
Very long chain acyl-CoA dehydrogenase deficiency (ACADVLD). Also called: Very Long-Chain Acyl-Coenzyme A Dehydrogenase Deficiency; VLCAD Deficiency. Identifiers: Orphanet 26793, MedGen C3887523, MONDO:0008723, OMIM 201475.

Submission:

Labcorp Genetics (formerly Invitae), Labcorp
Classification: Pathogenic for Very long chain acyl-CoA dehydrogenase deficiency. Last evaluated: 2024-02-05. Review status: criteria provided, single submitter. Criteria: Invitae Variant Classification Sherloc (09022015). Collection method: clinical testing. Allele origin: germline.
Comment: This sequence change creates a premature translational stop signal (p.Ile302Serfs*51) in the ACADVL gene. It is expected to result in an absent or disrupted protein product. Loss-of-function variants in ACADVL are known to be pathogenic (PMID: 9973285, 11590124). This variant is not present in population databases (gnomAD no frequency). This variant has not been reported in the literature in individuals affected with ACADVL-related conditions. For these reasons, this variant has been classified as Pathogenic.

Literature cited by the submitters: PubMed 9973285; PubMed 11590124.

NM_000018.4(ACADVL):c.904del (p.Ile302fs)

Gene: ACADVL (acyl-CoA dehydrogenase very long chain; plus strand). Cytogenetic location: 17p13.1.
Variant type: Deletion.
Coding change: c.904del on transcript NM_000018.4 (MANE Select); coding-DNA position 904, one base deleted (A; older notation c.904delA).
Protein change: p.Ile302fs; shifts the reading frame from isoleucine 302.
Molecular consequence: frameshift variant.
Genome position (GRCh38, 1-based): chr17:7,222,692, A deleted. VCF-style (leftmost placement, unchanged base first): chr17-7222691-CA-C. GRCh37 (hg19) VCF-style: chr17-7126010-CA-C.
Other names: c.838del, p.Ile280fs (NM_001033859.3); c.973del, p.Ile325fs (NM_001270447.2); c.676del, p.Ile226fs (NM_001270448.2); short protein forms I302fs, I280fs, I325fs, I226fs.
Identifiers: ClinVar variation 2695908 (VCV002695908.3), dbSNP rs2508315342, ClinGen allele CA2697557231.
Genomic context (GRCh38, chr17:7,222,691, plus strand): 5'-AACACACCTCTGCTTTCCCACACTGCCCTGACACAGTGGGCCCCCTGAGAAGAAGATGGG[CA>C]TCAAGGCTTCAAACACAGCAGAGGTGTTCTTTGATGGAGTACGGGTGCCATCGGAGAACG-3'